The following is an entry in ClinVar:

NM_001384140.1(PCDH15):c.264T>G (p.Asp88Glu)

Gene: PCDH15 (protocadherin related 15; minus strand). Cytogenetic location: 10q21.1.
Variant type: single nucleotide variant.
Coding change: c.264T>G on transcript NM_001384140.1 (MANE Select); coding-DNA position 264, T replaced by G.
Protein change: p.Asp88Glu; replaces aspartic acid 88 with glutamic acid.
Molecular consequence: missense variant.
Genome position (GRCh38, 1-based): chr10:54,378,836, A>C on the plus strand (T>G on the coding strand, the complement: PCDH15 is on the minus strand). VCF-style: chr10-54378836-A-C. GRCh37 (hg19) VCF-style: chr10-56138596-A-C.
Other names: c.279T>G, p.Asp93Glu (NM_001142763.2, NM_001142769.4, NM_001142771.2); c.264T>G, p.Asp88Glu (NM_001142764.2, NM_001142765.2, NM_001142766.2 and 8 more transcripts); c.198T>G, p.Asp66Glu (NM_001142768.2, NM_001142773.2, NM_001354404.2); short protein forms D66E, D93E, D88E.
Identifiers: ClinVar variation 1354697 (VCV001354697.6), dbSNP rs2135024168, ClinGen allele CA376540517.
Genomic context (GRCh38, chr10:54,378,836, plus strand): 5'-ACTAACATCTCTATCCAGAACTCTTCCGGTGCTGTTCAGGAAAAGCATTTGCTTAACAGG[A>C]TCCATCAACACCCAGTAATCCACATTATCCTTTAAAGAAAGTTCTATGGTGGGGTCTGGT-3'
Protein context (NP_001371069.1, residues 78-98): KDNVDYWVLM[Asp88Glu]PVKQMLFLNS

ClinVar aggregate classification (germline): Uncertain significance (1 of 4 stars; one submission).

Submission:

Labcorp Genetics (formerly Invitae), Labcorp
Classification: Uncertain significance. Last evaluated: 2022-08-22. Review status: criteria provided, single submitter. Criteria: Invitae Variant Classification Sherloc (09022015). Collection method: clinical testing. Allele origin: germline.
Comment: This sequence change replaces aspartic acid, which is acidic and polar, with glutamic acid, which is acidic and polar, at codon 88 of the PCDH15 protein (p.Asp88Glu). In summary, the available evidence is currently insufficient to determine the role of this variant in disease. Therefore, it has been classified as a Variant of Uncertain Significance. This variant is not present in population databases (gnomAD no frequency). This variant has not been reported in the literature in individuals affected with PCDH15-related conditions. ClinVar contains an entry for this variant (Variation ID: 1354697). Algorithms developed to predict the effect of missense changes on protein structure and function (SIFT, PolyPhen-2, Align-GVGD) all suggest that this variant is likely to be tolerated.